The following is an entry in ClinVar:

ClinVar aggregate classification (germline): Pathogenic (1 of 4 stars; one submission).

Conditions:
Hereditary breast ovarian cancer syndrome. Also called: Hereditary breast and ovarian cancer; Hereditary breast and ovarian cancer syndrome; Breast and ovarian cancer; BRCA1- and BRCA2-Associated Hereditary Breast and Ovarian Cancer; Hereditary breast and ovarian cancer syndrome (HBOC); Hereditary breast and/or ovarian cancer syndrome. Identifiers: Orphanet 145, MedGen C0677776, MeSH D061325, MONDO:0003582. Disease mechanism: loss of function.

Submission:

Labcorp Genetics (formerly Invitae), Labcorp
Classification: Pathogenic for Hereditary breast ovarian cancer syndrome. Last evaluated: 2025-04-30. Review status: criteria provided, single submitter. Criteria: Invitae Variant Classification Sherloc (09022015). Collection method: clinical testing. Allele origin: germline.
Comment: This sequence change creates a premature translational stop signal (p.Arg612Glufs*13) in the BRCA1 gene. It is expected to result in an absent or disrupted protein product. Loss-of-function variants in BRCA1 are known to be pathogenic (PMID: 20104584). This variant is not present in population databases (gnomAD no frequency). This variant has not been reported in the literature in individuals affected with BRCA1-related conditions. ClinVar contains an entry for this variant (Variation ID: 2811646). For these reasons, this variant has been classified as Pathogenic.

Literature cited by the submitters: PubMed 20104584.

NM_007294.4(BRCA1):c.1832dup (p.Arg612fs)

Gene: BRCA1 (BRCA1 DNA repair associated; minus strand). Cytogenetic location: 17q21.31.
Variant type: Duplication.
Coding change: c.1832dup on transcript NM_007294.4 (MANE Select); coding-DNA position 1832, one base duplicated (T; older notation c.1832dupT).
Protein change: p.Arg612fs; shifts the reading frame from arginine 612.
Molecular consequence: frameshift variant. On other transcripts: intron variant (137).
Genome position (GRCh38, 1-based): chr17:43,093,699, A duplicated on the plus strand (T on the coding strand, the reverse complement: BRCA1 is on the minus strand). VCF-style (leftmost placement, unchanged base first): chr17-43093698-C-CA. GRCh37 (hg19) VCF-style: chr17-41245715-C-CA.
Other names: c.1706dup, p.Arg570fs (NM_001407688.1, NM_001407689.1, NM_001407690.1 and 11 more transcripts); c.1691dup, p.Arg565fs (NM_001407696.1, NM_001407694.1, NM_001407697.1 and 29 more transcripts); c.1832dup, p.Arg612fs (NM_001407583.1, NM_001407585.1, NM_001407593.1 and 30 more transcripts); c.1829dup, p.Arg611fs (NM_001407587.1, NM_001407590.1, NM_001407591.1 and 22 more transcripts); c.1823dup, p.Arg609fs (NM_001407646.1, NM_001407647.1); c.1709dup, p.Arg571fs (NM_001407648.1, NM_001407664.1, NM_001407665.1 and 19 more transcripts); c.1754dup, p.Arg586fs (NM_001407653.1, NM_001407654.1, NM_001407655.1 and 4 more transcripts); c.1751dup, p.Arg585fs (NM_001407659.1, NM_001407660.1, NM_001407661.1 and 1 more transcripts); and 40 more; short protein forms R485fs, R524fs, R541fs, R565fs, R571fs, R612fs, R484fs, R500fs.
Identifiers: ClinVar variation 2811646 (VCV002811646.3), dbSNP rs2552198126, ClinGen allele CA2739265576.